The following is an entry in ClinVar:

NM_020964.3(EPG5):c.4618G>C (p.Asp1540His)

Gene: EPG5 (ectopic P-granules 5 autophagy tethering factor; minus strand). Cytogenetic location: 18q21.1.
Variant type: single nucleotide variant.
Coding change: c.4618G>C on transcript NM_020964.3 (MANE Select); coding-DNA position 4618, G replaced by C.
Protein change: p.Asp1540His; replaces aspartic acid 1540 with histidine.
Molecular consequence: missense variant.
Genome position (GRCh38, 1-based): chr18:45,901,024, C>G on the plus strand (G>C on the coding strand, the complement: EPG5 is on the minus strand). VCF-style: chr18-45901024-C-G. GRCh37 (hg19) VCF-style: chr18-43480989-C-G.
Other names: c.4618G>C, p.Asp1540His (NM_001410858.1, NM_001410859.1); short protein forms D1540H.
Identifiers: ClinVar variation 2124673 (VCV002124673.4), dbSNP rs2511710651, ClinGen allele CA402337450.
Genomic context (GRCh38, chr18:45,901,024, plus strand): 5'-GGAACATGATCCGTGAGGCTGCATGGTCTTACCTGGCCTGCTGTTGCAACAGATTCAGGT[C>G]TGTGCACACCAGCTGGGTGGCGTCCTTCTGACTCAATAGCACAGCAGAGGAAATAACTGG-3'
Protein context (NP_066015.2, residues 1530-1550): QKDATQLVCT[Asp1540His]LNLLQQQART

ClinVar aggregate classification (germline): Uncertain significance (1 of 4 stars; one submission).

Conditions:
Vici syndrome (VICIS). Identifiers: Orphanet 1493, MedGen C1855772, MONDO:0009452, OMIM 242840.

Allele frequency attached by ClinVar (database versions not stated): gnomAD exomes below 0.00001.

Submission:

Labcorp Genetics (formerly Invitae), Labcorp
Classification: Uncertain significance for Vici syndrome. Last evaluated: 2022-06-17. Review status: criteria provided, single submitter. Criteria: Invitae Variant Classification Sherloc (09022015). Collection method: clinical testing. Allele origin: germline.
Comment: This sequence change replaces aspartic acid, which is acidic and polar, with histidine, which is basic and polar, at codon 1540 of the EPG5 protein (p.Asp1540His). This variant is not present in population databases (gnomAD no frequency). In summary, the available evidence is currently insufficient to determine the role of this variant in disease. Therefore, it has been classified as a Variant of Uncertain Significance. Algorithms developed to predict the effect of missense changes on protein structure and function are either unavailable or do not agree on the potential impact of this missense change (SIFT: "Tolerated"; PolyPhen-2: "Possibly Damaging"; Align-GVGD: "Class C0"). This variant has not been reported in the literature in individuals affected with EPG5-related conditions.